The following is an entry in ClinVar:

NM_001130144.3(LTBP3):c.1102G>A (p.Gly368Ser)

Gene: LTBP3 (latent transforming growth factor beta binding protein 3; minus strand). Cytogenetic location: 11q13.1.
Variant type: single nucleotide variant.
Coding change: c.1102G>A on transcript NM_001130144.3 (MANE Select); coding-DNA position 1102, G replaced by A.
Protein change: p.Gly368Ser; replaces glycine 368 with serine.
Molecular consequence: missense variant.
Genome position (GRCh38, 1-based): chr11:65,552,944, C>T on the plus strand (G>A on the coding strand, the complement: LTBP3 is on the minus strand). VCF-style: chr11-65552944-C-T. GRCh37 (hg19) VCF-style: chr11-65320415-C-T.
Other names: c.751G>A, p.Gly251Ser (NM_001164266.1); c.1102G>A, p.Gly368Ser (NM_021070.4); short protein forms G251S, G368S.
Identifiers: ClinVar variation 3003222 (VCV003003222.3), dbSNP rs771035903, ClinGen allele CA6101063.

ClinVar aggregate classification (germline): Uncertain significance (1 of 4 stars; one submission).

Conditions:
Brachyolmia-amelogenesis imperfecta syndrome. Also called: Tooth agenesis, selective, 6; Dental anomalies and short stature; PLATYSPONDYLY WITH AMELOGENESIS IMPERFECTA. Identifiers: Orphanet 2899, MedGen C1832594, MONDO:0011018, OMIM 601216. Disease mechanism: loss of function.

Allele frequency attached by ClinVar (database versions not stated): gnomAD exomes 0.00002; ExAC 0.00006.
gnomAD v4.1: 33 of 1,614,220 alleles (0.002%); highest among the groups gnomAD compares: South Asian, 0.035%; 2 homozygotes.

Submission:

Labcorp Genetics (formerly Invitae), Labcorp
Classification: Uncertain significance for Brachyolmia-amelogenesis imperfecta syndrome. Last evaluated: 2024-12-23. Review status: criteria provided, single submitter. Criteria: Invitae Variant Classification Sherloc (09022015). Collection method: clinical testing. Allele origin: germline.
Comment: This sequence change replaces glycine, which is neutral and non-polar, with serine, which is neutral and polar, at codon 368 of the LTBP3 protein (p.Gly368Ser). This variant is present in population databases (rs771035903, gnomAD 0.05%), including at least one homozygous and/or hemizygous individual. This variant has not been reported in the literature in individuals affected with LTBP3-related conditions. ClinVar contains an entry for this variant (Variation ID: 3003222). An algorithm developed to predict the effect of missense changes on protein structure and function (PolyPhen-2) suggests that this variant is likely to be disruptive. In summary, the available evidence is currently insufficient to determine the role of this variant in disease. Therefore, it has been classified as a Variant of Uncertain Significance.